The following is an entry in ClinVar:

ClinVar aggregate classification (germline): Uncertain significance. Review status: criteria provided, multiple submitters, no conflicts (2 of 4 stars). 2 submissions from 2 submitters: Uncertain significance (2). Last evaluated 2024-07-11.

Allele frequency attached by ClinVar (database versions not stated): ExAC 0.00001; gnomAD exomes 0.00001; TOPMed 0.00001.
gnomAD v4.1: 19 of 1,614,212 alleles (0.0012%); highest among the groups gnomAD compares: Non-Finnish European, 0.0016%; no homozygotes.

Submissions (2):

Mayo Clinic Laboratories, Mayo Clinic
Classification: Uncertain significance. Last evaluated: 2024-07-11. Review status: criteria provided, single submitter. Criteria: ACMG Guidelines, 2015. Collection method: clinical testing. Allele origin: germline. Observed: 1 variant allele.
Comment: BP4

GeneDx
Classification: Uncertain significance. Last evaluated: 2020-05-20. Review status: criteria provided, single submitter. Criteria: GeneDx Variant Classification Process June 2021. Collection method: clinical testing. Allele origin: germline. Affected: yes.
Comment: Not observed at a significant frequency in large population cohorts (Lek et al., 2016); In silico analysis supports that this missense variant does not alter protein structure/function; Has not been previously published as pathogenic or benign to our knowledge

NM_182961.4(SYNE1):c.14407A>G (p.Lys4803Glu)

Gene: SYNE1 (spectrin repeat containing nuclear envelope protein 1; minus strand). Cytogenetic location: 6q25.2.
Variant type: single nucleotide variant.
Coding change: c.14407A>G on transcript NM_182961.4 (MANE Select); coding-DNA position 14407, A replaced by G.
Protein change: p.Lys4803Glu; replaces lysine 4803 with glutamic acid.
Molecular consequence: missense variant.
Genome position (GRCh38, 1-based): chr6:152,330,278, T>C on the plus strand (A>G on the coding strand, the complement: SYNE1 is on the minus strand). VCF-style: chr6-152330278-T-C. GRCh37 (hg19) VCF-style: chr6-152651413-T-C.
Other names: p.Lys4732Glu; c.14194A>G, p.Lys4732Glu (NM_033071.5); short protein forms K4732E, K4803E.
Identifiers: ClinVar variation 1303390 (VCV001303390.3), dbSNP rs776468403, ClinGen allele CA4056012.
Genomic context (GRCh38, chr6:152,330,278, plus strand): 5'-CTGCCAGGGAGTGATACATTTTGAGCTTCTCCTCTGCAGGCAGCGTTTCCTCATTCACTT[T>C]GGACTGCTCCTCTTTTACAGACTTCAGTTGTCTCTCCAGCTGTTGGCACATCTTCTCGTG-3'
Protein context (NP_892006.3, residues 4793-4813): QLKSVKEEQS[Lys4803Glu]VNEETLPAEE